The following is an entry in ClinVar:

ClinVar aggregate classification (germline): Uncertain significance (1 of 4 stars; one submission).

Conditions:
Usher syndrome type 1 (USH1). Also called: RETINITIS PIGMENTOSA AND CONGENITAL DEAFNESS. Identifiers: Orphanet 231169, Orphanet 886, MedGen C1568247, MONDO:0010168, OMIM 276900.

Submission:

3billion
Classification: Uncertain significance for Usher syndrome type 1. Last evaluated: 2025-06-18. Review status: criteria provided, single submitter. Criteria: ACMG Guidelines, 2015. Collection method: clinical testing. Allele origin: germline. Affected: yes.
Comment: The variant is not observed in the gnomAD v4.1.0 dataset. Predicted Consequence/Location: Missense variant In silico tool predictions suggest damaging effect of the variant on gene or gene product [REVEL: 0.97 (>=0.6, sensitivity 0.68 and specificity 0.92)]. Different missense changes at the same codon have been reported as of uncertain significance (ClinVar ID: VCV000504646). Therefore, this variant is classified as VUS according to the recommendation of ACMG/AMP guideline.

NM_000260.4(MYO7A):c.3536T>C (p.Leu1179Pro)

Gene: MYO7A (myosin VIIA; plus strand). Cytogenetic location: 11q13.5.
Variant type: single nucleotide variant.
Coding change: c.3536T>C on transcript NM_000260.4 (MANE Select); coding-DNA position 3536, T replaced by C.
Protein change: p.Leu1179Pro; replaces leucine 1179 with proline.
Molecular consequence: missense variant.
Genome position (GRCh38, 1-based): chr11:77,189,376, T>C. VCF-style: chr11-77189376-T-C. GRCh37 (hg19) VCF-style: chr11-76900421-T-C.
Other names: c.3536T>C, p.Leu1179Pro (NM_001127180.2); c.3503T>C, p.Leu1168Pro (NM_001369365.1); short protein forms L1168P, L1179P.
Identifiers: ClinVar variation 4855118 (VCV004855118.1).